The following is an entry in ClinVar:

ClinVar aggregate classification (germline): Uncertain significance. Review status: criteria provided, single submitter (1 of 4 stars). 2 submissions from 2 submitters: Uncertain significance (1). 1 of the submissions does not count toward it. Last evaluated 2026-01-16.

Conditions:
FBN3-related disorder. Also called: FBN3-related condition.

Allele frequency attached by ClinVar (database versions not stated): 1000 Genomes Project 0.00060; 1000 Genomes Project 30x 0.00062; ESP Exome Variant Server 0.00069; gnomAD exomes 0.00074; ExAC 0.00089; gnomAD 0.00101.
gnomAD v4.1: 1,225 of 1,614,060 alleles (0.076%); highest among the groups gnomAD compares: Non-Finnish European, 0.085%; 4 homozygotes.

Submissions (2):

Labcorp Genetics (formerly Invitae), Labcorp
Classification: Uncertain significance. Last evaluated: 2026-01-16. Review status: criteria provided, single submitter. Criteria: Invitae Variant Classification Sherloc (09022015). Collection method: clinical testing. Allele origin: germline.
Comment: This sequence change replaces arginine, which is basic and polar, with glutamine, which is neutral and polar, at codon 1671 of the FBN3 protein (p.Arg1671Gln). This variant is present in population databases (rs143445771, gnomAD 0.1%), and has an allele count higher than expected for a pathogenic variant. This variant has not been reported in the literature in individuals affected with FBN3-related conditions. ClinVar contains an entry for this variant (Variation ID: 2162403). Invitae Evidence Modeling of protein sequence and biophysical properties (such as structural, functional, and spatial information, amino acid conservation, physicochemical variation, residue mobility, and thermodynamic stability) indicates that this missense variant is not expected to disrupt FBN3 protein function with a negative predictive value of 80%. In summary, the available evidence is currently insufficient to determine the role of this variant in disease. Therefore, it has been classified as a Variant of Uncertain Significance.

PreventionGenetics, part of Exact Sciences
Classification: Likely benign for FBN3-related condition. Last evaluated: 2020-06-08. Review status: no assertion criteria provided. Collection method: clinical testing. Allele origin: germline. Not counted in ClinVar's aggregate classification.
Comment: This variant is classified as likely benign based on ACMG/AMP sequence variant interpretation guidelines (Richards et al. 2015 PMID: 25741868, with internal and published modifications).

NM_032447.5(FBN3):c.5012G>A (p.Arg1671Gln)

Gene: FBN3 (fibrillin 3; minus strand). Cytogenetic location: 19p13.2.
Variant type: single nucleotide variant.
Coding change: c.5012G>A on transcript NM_032447.5 (MANE Select); coding-DNA position 5012, G replaced by A.
Protein change: p.Arg1671Gln; replaces arginine 1671 with glutamine.
Molecular consequence: missense variant.
Genome position (GRCh38, 1-based): chr19:8,102,801, C>T on the plus strand (G>A on the coding strand, the complement: FBN3 is on the minus strand). VCF-style: chr19-8102801-C-T. GRCh37 (hg19) VCF-style: chr19-8167685-C-T.
Other names: c.5012G>A (NM_001321431.1); c.5012G>A, p.Arg1671Gln (NM_001321431.2); short protein forms R1671Q.
Identifiers: ClinVar variation 2162403 (VCV002162403.6), dbSNP rs143445771, ClinGen allele CA9151836.